The following is an entry in ClinVar:

NM_080646.2(TBX1):c.1143_1149delinsTGGGGATTG (p.Phe382fs)

Gene: TBX1 (T-box transcription factor 1; plus strand). Cytogenetic location: 22q11.21.
Variant type: Indel.
Coding change: c.1143_1149delinsTGGGGATTG on transcript NM_080646.2; coding-DNA positions 1143 to 1149, CTTCAAT replaced by TGGGGATTG.
Protein change: p.Phe382fs; shifts the reading frame from phenylalanine 382.
Molecular consequence: frameshift variant. On other transcripts: intron variant (1).
Genome position (GRCh38, 1-based): chr22:19,779,353-19,779,359, CTTCAAT replaced by TGGGGATTG. VCF-style: chr22-19779353-CTTCAAT-TGGGGATTG. GRCh37 (hg19) VCF-style: chr22-19766876-CTTCAAT-TGGGGATTG.
Other names: c.1010-3560_1010-3554delinsTGGGGATTG (NM_005992.1); short protein forms F382fs.
Identifiers: ClinVar variation 2633514 (VCV002633514.1), dbSNP rs2517874435, ClinGen allele CA2695200066.
Genomic context (GRCh38, chr22:19,779,353, plus strand): 5'-TCTGAGGGATGCAGGTGGCTGTGTGAACCTGGGGCTCCCCTGCCCCGCAGAGTGCCAACC[CTTCAAT>TGGGGATTG]ACCCAGGGCCTGGTGGCTGGGAGGACCGCAGGTGACCGTCTTTGTTGAATGCTGAGGCCG-3'

ClinVar aggregate classification (germline): Uncertain significance (1 of 4 stars; one submission).

Conditions:
TBX1-related disorder. Also called: TBX1-Related Disorders; TBX1-related condition.

Submission:

PreventionGenetics, part of Exact Sciences
Classification: Uncertain significance for TBX1-related condition. Last evaluated: 2023-03-21. Review status: criteria provided, single submitter. Criteria: ACMG Guidelines, 2015. Collection method: clinical testing. Allele origin: germline.
Comment: The TBX1 c.1143_1149delinsTGGGGATTG variant is predicted to result in a frameshift and premature protein termination (p.Phe382Glyfs*3). However, this variant is post-coding in the canonical transcript defined by HGMD (NM_080647.1), and there is evidence of low-expression of the alternatively spliced exon containing this variant from RNA-sequencing data. To our knowledge, this variant has not been reported in the literature. In the gnomAD general population data, this variant is split into multiple smaller variants (see for example), which have population frequencies of <0.05%. At this time, the clinical significance of this variant is uncertain due to the absence of conclusive functional and genetic evidence.